The following is an entry in ClinVar:

NM_001005361.3(DNM2):c.2014C>T (p.Arg672Cys)

Gene: DNM2 (dynamin 2; plus strand). Cytogenetic location: 19p13.2.
Variant type: single nucleotide variant.
Coding change: c.2014C>T on transcript NM_001005361.3 (MANE Select); coding-DNA position 2014, C replaced by T.
Protein change: p.Arg672Cys; replaces arginine 672 with cysteine.
Molecular consequence: missense variant.
Genome position (GRCh38, 1-based): chr19:10,825,177, C>T. VCF-style: chr19-10825177-C-T. GRCh37 (hg19) VCF-style: chr19-10935853-C-T.
Other names: c.2014C>T, p.Arg672Cys (NM_001005360.3, NM_001190716.2); c.2002C>T, p.Arg668Cys (NM_001005362.3, NM_004945.4); short protein forms R668C, R672C.
Identifiers: ClinVar variation 2236783 (VCV002236783.5), dbSNP rs780219649, ClinGen allele CA9201478.

ClinVar aggregate classification (germline): Uncertain significance. Review status: criteria provided, multiple submitters, no conflicts (2 of 4 stars). 2 submissions from 2 submitters: Uncertain significance (2). Last evaluated 2023-11-01.

Conditions:
Inborn genetic diseases. Identifiers: MedGen C0950123, MeSH D030342.
Charcot-Marie-Tooth disease dominant intermediate B (CMTDIB). Also called: CHARCOT-MARIE-TOOTH NEUROPATHY, DOMINANT INTERMEDIATE B; Charcot-Marie-Tooth disease dominant intermediate 1; CMT DI1; Charcot-Marie-Tooth disease dominant intermediate I. Identifiers: Orphanet 100044, Orphanet 228179, MedGen C1847902, MONDO:0011674, OMIM 606482.

Allele frequency attached by ClinVar (database versions not stated): TOPMed below 0.00001; gnomAD exomes 0.00001; ExAC 0.00002.
gnomAD v4.1: 10 of 1,614,038 alleles (0.00062%); highest among the groups gnomAD compares: East Asian, 0.0045%; no homozygotes.

Submissions (2):

Labcorp Genetics (formerly Invitae), Labcorp
Classification: Uncertain significance for Charcot-Marie-Tooth disease dominant intermediate B. Last evaluated: 2023-11-01. Review status: criteria provided, single submitter. Criteria: Invitae Variant Classification Sherloc (09022015). Collection method: clinical testing. Allele origin: germline.
Comment: This sequence change replaces arginine, which is basic and polar, with cysteine, which is neutral and slightly polar, at codon 672 of the DNM2 protein (p.Arg672Cys). This variant is present in population databases (rs780219649, gnomAD 0.006%). This variant has not been reported in the literature in individuals affected with DNM2-related conditions. ClinVar contains an entry for this variant (Variation ID: 2236783). Advanced modeling of protein sequence and biophysical properties (such as structural, functional, and spatial information, amino acid conservation, physicochemical variation, residue mobility, and thermodynamic stability) has been performed at Invitae for this missense variant, however the output from this modeling did not meet the statistical confidence thresholds required to predict the impact of this variant on DNM2 protein function. In summary, the available evidence is currently insufficient to determine the role of this variant in disease. Therefore, it has been classified as a Variant of Uncertain Significance.

Ambry Genetics
Classification: Uncertain significance for Inborn genetic diseases. Last evaluated: 2021-07-13. Review status: criteria provided, single submitter. Criteria: Ambry Variant Classification Scheme 2023. Collection method: clinical testing. Allele origin: germline.